The following is an entry in ClinVar:

ClinVar aggregate classification (germline): Uncertain significance (1 of 4 stars; one submission).

Conditions:
Neurodevelopmental disorder with or without hyperkinetic movements and seizures, autosomal dominant. Also called: Intellectual disability, autosomal dominant 8. Identifiers: MedGen C3280282, MONDO:0013655, OMIM 614254.

Submission:

Labcorp Genetics (formerly Invitae), Labcorp
Classification: Uncertain significance for Neurodevelopmental disorder with or without hyperkinetic movements and seizures, autosomal dominant. Last evaluated: 2024-03-03. Review status: criteria provided, single submitter. Criteria: Invitae Variant Classification Sherloc (09022015). Collection method: clinical testing. Allele origin: germline.
Comment: This sequence change replaces proline, which is neutral and non-polar, with serine, which is neutral and polar, at codon 304 of the GRIN1 protein (p.Pro304Ser). This variant is not present in population databases (gnomAD no frequency). This variant has not been reported in the literature in individuals affected with GRIN1-related conditions. Advanced modeling of protein sequence and biophysical properties (such as structural, functional, and spatial information, amino acid conservation, physicochemical variation, residue mobility, and thermodynamic stability) has been performed at Invitae for this missense variant, however the output from this modeling did not meet the statistical confidence thresholds required to predict the impact of this variant on GRIN1 protein function. In summary, the available evidence is currently insufficient to determine the role of this variant in disease. Therefore, it has been classified as a Variant of Uncertain Significance.

NM_007327.4(GRIN1):c.910C>T (p.Pro304Ser)

Gene: GRIN1 (glutamate ionotropic receptor NMDA type subunit 1; plus strand). Cytogenetic location: 9q34.3.
Variant type: single nucleotide variant.
Coding change: c.910C>T on transcript NM_007327.4 (MANE Select); coding-DNA position 910, C replaced by T.
Protein change: p.Pro304Ser; replaces proline 304 with serine.
Molecular consequence: missense variant.
Genome position (GRCh38, 1-based): chr9:137,156,979, C>T. VCF-style: chr9-137156979-C-T. GRCh37 (hg19) VCF-style: chr9-140051431-C-T.
Other names: c.910C>T, p.Pro304Ser (NM_000832.7, NM_021569.4); c.973C>T, p.Pro325Ser (NM_001185090.2, NM_001185091.2); short protein forms P304S, P325S.
Identifiers: ClinVar variation 3644301 (VCV003644301.2).